The following is an entry in ClinVar:

NM_021102.4(SPINT2):c.276A>G (p.Thr92=)

Gene: SPINT2 (serine peptidase inhibitor, Kunitz type 2; plus strand). Cytogenetic location: 19q13.2.
Variant type: single nucleotide variant.
Coding change: c.276A>G on transcript NM_021102.4 (MANE Select); coding-DNA position 276, A replaced by G.
Protein change: p.Thr92=; no amino-acid change (threonine 92 retained).
Molecular consequence: synonymous variant. On other transcripts: intron variant (1).
Genome position (GRCh38, 1-based): chr19:38,283,796, A>G. VCF-style: chr19-38283796-A-G. GRCh37 (hg19) VCF-style: chr19-38774436-A-G.
Other names: c.107-4080A>G (NM_001166103.2).
Identifiers: ClinVar variation 4725182 (VCV004725182.1).

ClinVar aggregate classification (germline): Uncertain significance (1 of 4 stars; one submission).

Submission:

Labcorp Genetics (formerly Invitae), Labcorp
Classification: Uncertain significance. Last evaluated: 2025-08-10. Review status: criteria provided, single submitter. Criteria: Invitae Variant Classification Sherloc (09022015). Collection method: clinical testing. Allele origin: germline.
Comment: This sequence change affects codon 92 of the SPINT2 mRNA. It is a 'silent' change, meaning that it does not change the encoded amino acid sequence of the SPINT2 protein. It affects a nucleotide within the consensus splice site. This variant is not present in population databases (gnomAD no frequency). This variant has not been reported in the literature in individuals affected with SPINT2-related conditions. Algorithms developed to predict the effect of sequence changes on RNA splicing suggest that this variant is not likely to affect RNA splicing. In summary, the available evidence is currently insufficient to determine the role of this variant in disease. Therefore, it has been classified as a Variant of Uncertain Significance.